The following is an entry in ClinVar:

ClinVar aggregate classification (germline): Uncertain significance (1 of 4 stars; one submission).

Allele frequency attached by ClinVar (database versions not stated): ExAC 0.00001.

Submission:

Labcorp Genetics (formerly Invitae), Labcorp
Classification: Uncertain significance. Last evaluated: 2024-10-28. Review status: criteria provided, single submitter. Criteria: Invitae Variant Classification Sherloc (09022015). Collection method: clinical testing. Allele origin: germline.
Comment: This sequence change falls in intron 39 of the ABCA1 gene. It does not directly change the encoded amino acid sequence of the ABCA1 protein. It affects a nucleotide within the consensus splice site. This variant is present in population databases (rs769020250, gnomAD 0.0009%). This variant has not been reported in the literature in individuals affected with ABCA1-related conditions. ClinVar contains an entry for this variant (Variation ID: 2028525). Variants that disrupt the consensus splice site are a relatively common cause of aberrant splicing (PMID: 17576681, 9536098). Algorithms developed to predict the effect of sequence changes on RNA splicing suggest that this variant may disrupt the consensus splice site. In summary, the available evidence is currently insufficient to determine the role of this variant in disease. Therefore, it has been classified as a Variant of Uncertain Significance.

Literature cited by the submitters: PubMed 17576681; PubMed 9536098.

NM_005502.4(ABCA1):c.5382+4A>G

Gene: ABCA1 (ATP binding cassette subfamily A member 1; minus strand). Cytogenetic location: 9q31.1.
Variant type: single nucleotide variant.
Coding change: c.5382+4A>G on transcript NM_005502.4 (MANE Select); 4 bases into the intron after coding-DNA position 5382, A replaced by G.
Molecular consequence: intron variant.
Genome position (GRCh38, 1-based): chr9:104,796,049, T>C on the plus strand (A>G on the coding strand, the complement: ABCA1 is on the minus strand). VCF-style: chr9-104796049-T-C. GRCh37 (hg19) VCF-style: chr9-107558330-T-C.
Identifiers: ClinVar variation 2028525 (VCV002028525.4), dbSNP rs769020250, ClinGen allele CA5167873.
Genomic context (GRCh38, chr9:104,796,049, plus strand): 5'-AACACTGTCCTCTGGCTCCCAGAGATGCTCATCCCAGCAGGAGTGTTCTCTCTGCATGAC[T>C]CACATTGTCGGTGAACAGCTCCAGCACAAAGGTGGCCACGCTGCCATTAATGCCAATGAA-3'